The following is an entry in ClinVar:

ClinVar aggregate classification (germline): Benign. Review status: criteria provided, multiple submitters, no conflicts (2 of 4 stars). 2 submissions from 2 submitters: Benign (2). Last evaluated 2018-01-12.

Conditions:
Isovaleryl-CoA dehydrogenase deficiency (IVA). Also called: ISOVALERIC ACID CoA DEHYDROGENASE DEFICIENCY; Isovaleric acidemia; Classic Isovaleric Acidemia; IVD DEFICIENCY. Identifiers: Orphanet 33, MedGen C0268575, MONDO:0009475, OMIM 243500.

Allele frequency attached by ClinVar (database versions not stated): 1000 Genomes Project 0.01737; TOPMed 0.01786; 1000 Genomes Project 30x 0.02030.

Submissions (2):

Illumina Laboratory Services, Illumina
Classification: Benign for Isovaleryl-CoA dehydrogenase deficiency. Last evaluated: 2018-01-12. Review status: criteria provided, single submitter. Criteria: ICSL Variant Classification Criteria 13 December 2019. Collection method: clinical testing. Allele origin: germline.
Comment: This variant was observed in the ICSL laboratory as part of a predisposition screen in an ostensibly healthy population. It had not been previously curated by ICSL or reported in the Human Gene Mutation Database (HGMD: prior to June 1st, 2018), and was therefore a candidate for classification through an automated scoring system. Utilizing variant allele frequency, disease prevalence and penetrance estimates, and inheritance mode, an automated score was calculated to assess if this variant is too frequent to cause the disease. Based on the score and internal cut-off values, a variant classified as benign is not then subjected to further curation. The score for this variant resulted in a classification of benign for this disease.

Breakthrough Genomics
Classification: Benign. Review status: criteria provided, single submitter. Criteria: ACMG Guidelines, 2015. Collection method: not provided. Allele origin: germline. Inheritance: Autosomal recessive inheritance. Affected: yes.

NM_002225.5(IVD):c.*825C>A

Gene: IVD (isovaleryl-CoA dehydrogenase; plus strand). Cytogenetic location: 15q15.1.
Variant type: single nucleotide variant.
Coding change: c.*825C>A on transcript NM_002225.5 (MANE Select); 825 bases downstream of the stop codon, C replaced by A.
Molecular consequence: 3 prime UTR variant. On other transcripts: intron variant (3).
Genome position (GRCh38, 1-based): chr15:40,419,088, C>A. VCF-style: chr15-40419088-C-A. GRCh37 (hg19) VCF-style: chr15-40711287-C-A.
Other names: c.*825C>A (NM_001159508.3, NM_001354597.3, NM_001354599.3); c.1225+2726C>A (NM_001354600.3); c.1138+2726C>A (NM_001354598.3, NM_001354601.3).
Identifiers: ClinVar variation 887577 (VCV000887577.5), dbSNP rs7182052, ClinGen allele CA268782146.